The following is an entry in ClinVar:

NM_001162501.2(TNRC6B):c.4274C>T (p.Pro1425Leu)

Gene: TNRC6B (trinucleotide repeat containing adaptor 6B; plus strand). Cytogenetic location: 22q13.1.
Variant type: single nucleotide variant.
Coding change: c.4274C>T on transcript NM_001162501.2 (MANE Select); coding-DNA position 4274, C replaced by T.
Protein change: p.Pro1425Leu; replaces proline 1425 with leucine.
Molecular consequence: missense variant.
Genome position (GRCh38, 1-based): chr22:40,310,832, C>T. VCF-style: chr22-40310832-C-T. GRCh37 (hg19) VCF-style: chr22-40706836-C-T.
Other names: c.1862C>T, p.Pro621Leu (NM_001024843.2); c.3944C>T, p.Pro1315Leu (NM_015088.3); short protein forms P1315L, P1425L, P621L.
Identifiers: ClinVar variation 2580464 (VCV002580464.1), dbSNP rs2518040390, ClinGen allele CA411666222.

ClinVar aggregate classification (germline): Uncertain significance (1 of 4 stars; one submission).

Submission:

GeneDx
Classification: Uncertain significance. Last evaluated: 2023-03-24. Review status: criteria provided, single submitter. Criteria: GeneDx Variant Classification Process June 2021. Collection method: clinical testing. Allele origin: germline. Affected: yes.
Comment: Not observed at significant frequency in large population cohorts (gnomAD); In silico analysis supports that this missense variant has a deleterious effect on protein structure/function; Has not been previously published as pathogenic or benign to our knowledge